The following is an entry in ClinVar:

NM_005026.5(PIK3CD):c.1955+4G>A

Gene: PIK3CD (phosphatidylinositol-4,5-bisphosphate 3-kinase catalytic subunit delta; plus strand). Cytogenetic location: 1p36.22.
Variant type: single nucleotide variant.
Coding change: c.1955+4G>A on transcript NM_005026.5 (MANE Select); 4 bases into the intron after coding-DNA position 1955, G replaced by A.
Molecular consequence: intron variant.
Genome position (GRCh38, 1-based): chr1:9,721,591, G>A. VCF-style: chr1-9721591-G-A. GRCh37 (hg19) VCF-style: chr1-9781649-G-A.
Other names: c.1952+4G>A (NM_001350234.2); c.1868+4G>A (NM_001350235.1).
Identifiers: ClinVar variation 3618173 (VCV003618173.2).

ClinVar aggregate classification (germline): Uncertain significance (1 of 4 stars; one submission).

Conditions:
Immunodeficiency 14 (IMD14A). Also called: IMMUNODEFICIENCY 14A WITH LYMPHOPROLIFERATION, AUTOSOMAL DOMINANT; p110-DELTA-ACTIVATING MUTATION CAUSING SENESCENT T CELLS, LYMPHADENOPATHY, AND IMMUNODEFICIENCY; ACTIVATED PI3K-DELTA SYNDROME 1; Activated PI3K Delta Syndrome Type 1 (APDS1). Identifiers: Orphanet 397596, Orphanet 693661, MedGen C5907821, MONDO:0014222, OMIM 615513.

gnomAD v4.1: 1 of 1,612,754 alleles (0.000062%); highest among the groups gnomAD compares: African/African-American, 0.0013%; no homozygotes.

Submission:

Labcorp Genetics (formerly Invitae), Labcorp
Classification: Uncertain significance for Activated PI3K-delta syndrome. Last evaluated: 2024-09-19. Review status: criteria provided, single submitter. Criteria: Invitae Variant Classification Sherloc (09022015). Collection method: clinical testing. Allele origin: germline.
Comment: This sequence change falls in intron 15 of the PIK3CD gene. It does not directly change the encoded amino acid sequence of the PIK3CD protein. It affects a nucleotide within the consensus splice site. This variant is not present in population databases (gnomAD no frequency). This variant has not been reported in the literature in individuals affected with PIK3CD-related conditions. Variants that disrupt the consensus splice site are a relatively common cause of aberrant splicing (PMID: 17576681, 9536098). Algorithms developed to predict the effect of sequence changes on RNA splicing suggest that this variant is not likely to affect RNA splicing. In summary, the available evidence is currently insufficient to determine the role of this variant in disease. Therefore, it has been classified as a Variant of Uncertain Significance.

Literature cited by the submitters: PubMed 17576681; PubMed 9536098.